The following is an entry in ClinVar:

NM_003995.4(NPR2):c.1163G>A (p.Arg388Gln)

Gene: NPR2 (natriuretic peptide receptor 2; plus strand). Cytogenetic location: 9p13.3.
Variant type: single nucleotide variant.
Coding change: c.1163G>A on transcript NM_003995.4 (MANE Select); coding-DNA position 1163, G replaced by A.
Protein change: p.Arg388Gln; replaces arginine 388 with glutamine.
Molecular consequence: missense variant.
Genome position (GRCh38, 1-based): chr9:35,800,428, G>A. VCF-style: chr9-35800428-G-A. GRCh37 (hg19) VCF-style: chr9-35800425-G-A.
Other names: c.1163G>A (NM_003995.3); short protein forms R388Q.
Identifiers: ClinVar variation 873079 (VCV000873079.6), dbSNP rs1828106198, ClinGen allele CA373370614.
Genomic context (GRCh38, chr9:35,800,428, plus strand): 5'-GGACACTCTTTTCTGTCTTAGGTGTAACTGGGCTGGTTGTCATGGACAAGAACAATGACC[G>A]AGAGACTGACTTTGTCCTCTGGGCCATGGGAGACCTGGATTCTGGGGACTTTCAGGTGAT-3'
Protein context (NP_003986.2, residues 378-398): GLVVMDKNND[Arg388Gln]ETDFVLWAMG

ClinVar aggregate classification (germline): Pathogenic. Review status: criteria provided, multiple submitters, no conflicts (2 of 4 stars). 3 submissions from 3 submitters: Pathogenic (2). 1 of the submissions does not count toward it. Last evaluated 2026-02-26.

Conditions:
Acromesomelic dysplasia 1, Maroteaux type (AMD1). Also called: ST. HELENA DYSPLASIA; ACROMESOMELIC DYSPLASIA 1. Identifiers: Orphanet 40, MedGen C1864356, MONDO:0011275, OMIM 602875.
Tall stature-scoliosis-macrodactyly of the great toes syndrome. Also called: Epiphyseal chondrodysplasia, miura type. Identifiers: Orphanet 329191, MedGen C4014690, MONDO:0014401, OMIM 615923.

Allele frequency attached by ClinVar (database versions not stated): gnomAD exomes below 0.00001.
gnomAD v4.1: 1 of 1,614,126 alleles (0.000062%); highest among the groups gnomAD compares: Non-Finnish European, 0.000085%; no homozygotes.

Submissions (3):

GeneDx
Classification: Pathogenic. Last evaluated: 2026-02-26. Review status: criteria provided, single submitter. Criteria: GeneDx Variant Classification Process June 2021. Collection method: clinical testing. Allele origin: germline.
Comment: In silico analysis supports that this missense variant has a deleterious effect on protein structure/function; Not observed at significant frequency in large population cohorts (gnomAD); This variant is associated with the following publications: (PMID: 38078000, 32694885, 34162036, 33288834)

Labcorp Genetics (formerly Invitae), Labcorp
Classification: Pathogenic for Tall stature-scoliosis-macrodactyly of the great toes syndrome; Acromesomelic dysplasia 1, Maroteaux type. Last evaluated: 2023-06-24. Review status: criteria provided, single submitter. Criteria: Invitae Variant Classification Sherloc (09022015). Collection method: clinical testing. Allele origin: germline.
Comment: For these reasons, this variant has been classified as Pathogenic. This sequence change replaces arginine, which is basic and polar, with glutamine, which is neutral and polar, at codon 388 of the NPR2 protein (p.Arg388Gln). This variant is not present in population databases (gnomAD no frequency). This missense change has been observed in individuals with acromesomelic dysplasia, Maroteaux type (PMID: 32694885, 33288834, 34162036). ClinVar contains an entry for this variant (Variation ID: 873079). Advanced modeling of protein sequence and biophysical properties (such as structural, functional, and spatial information, amino acid conservation, physicochemical variation, residue mobility, and thermodynamic stability) performed at Invitae indicates that this missense variant is expected to disrupt NPR2 protein function. Experimental studies have shown that this missense change affects NPR2 function (PMID: 32694885).

Hacettepe Genetic Diseases Diagnosis Center, Hacettepe University Faculty of Medicine
Classification: Uncertain significance for Acromesomelic dysplasia 1, Maroteaux type. Last evaluated: 2020-04-26. Review status: no assertion criteria provided. Collection method: clinical testing. Allele origin: germline. Inheritance: Autosomal recessive inheritance. Affected: yes. Observed: 2 homozygotes. Clinical features observed: Mesomelic short stature (HP:0008845), Disproportionate short-limb short stature (HP:0008873). Not counted in ClinVar's aggregate classification.
Comment: Sequencing analysis of the NPR2 gene identified a novel homozygous mutation NM_003995.4:c.1163G>A (p.Arg388Gln) in two unrelated patients and the parents were found to be heterozygous carriers for this mutation. Both patients presented with short-limbed short stature. Clinical and radiographic features of these patients were consistent with a diagnosis of Acromesomelic dysplasia, Maroteaux type. This variant was not reported in ExAC and gnomAD databases. This variant was classified as uncertain significance according to the ACMG Guidelines and predicted to be disease causing by in silico analysis such as MutationTaster.

Literature cited by the submitters: PubMed 32694885 (cited by Labcorp Genetics (formerly Invitae), Labcorp); PubMed 33288834 (cited by Labcorp Genetics (formerly Invitae), Labcorp); PubMed 34162036 (cited by Labcorp Genetics (formerly Invitae), Labcorp).